The following is an entry in ClinVar:

NM_004793.4(LONP1):c.2282C>T (p.Pro761Leu)

Gene: LONP1 (lon peptidase 1, mitochondrial; minus strand). Cytogenetic location: 19p13.3.
Variant type: single nucleotide variant.
Coding change: c.2282C>T on transcript NM_004793.4 (MANE Select); coding-DNA position 2282, C replaced by T.
Protein change: p.Pro761Leu; replaces proline 761 with leucine.
Molecular consequence: missense variant. On other transcripts: non-coding transcript variant (1).
Genome position (GRCh38, 1-based): chr19:5,694,425, G>A on the plus strand (C>T on the coding strand, the complement: LONP1 is on the minus strand). VCF-style: chr19-5694425-G-A. GRCh37 (hg19) VCF-style: chr19-5694436-G-A.
Other names: p.Pro761Leu; c.2090C>T, p.Pro697Leu (NM_001276479.2); c.1694C>T, p.Pro565Leu (NM_001276480.1); short protein forms P697L, P761L, P565L.
Identifiers: ClinVar variation 942724 (VCV000942724.18), dbSNP rs373182816, ClinGen allele CA9114192.

ClinVar aggregate classification (germline): Conflicting classifications of pathogenicity. Review status: criteria provided, conflicting classifications (1 of 4 stars). 7 submissions from 7 submitters: Pathogenic (1); Likely pathogenic (4); Uncertain significance (1). 1 of the submissions does not count toward it. Last evaluated 2026-01-21.

Conditions:
LONP1-related disorder. Also called: LONP1-related disorders; LONP1-related condition.
Chondrodysplasia. Identifiers: MedGen C0343284, MONDO:0022723.
CODAS syndrome. Also called: CEREBRAL, OCULAR, DENTAL, AURICULAR, AND SKELETAL ANOMALIES SYNDROME. Identifiers: Orphanet 1458, MedGen C1838180, MONDO:0010879, OMIM 600373.

Allele frequency attached by ClinVar (database versions not stated): gnomAD exomes 0.00001 and 0.00002; ExAC 0.00002; TOPMed 0.00007; ESP Exome Variant Server 0.00008; gnomAD 0.00008 and 0.00010.
gnomAD v4.1: 41 of 1,613,362 alleles (0.0025%); highest among the groups gnomAD compares: African/African-American, 0.013%; no homozygotes.

Submissions (7):

3billion
Classification: Likely pathogenic for CODAS syndrome. Last evaluated: 2026-01-21. Review status: criteria provided, single submitter. Criteria: ACMG Guidelines, 2015. Collection method: clinical testing. Allele origin: germline. Affected: yes.
Comment: The variant is observed at an extremely low frequency in the gnomAD v4.1.0 dataset (total allele frequency: 0.003%). Predicted Consequence/Location: Missense variant Functional studies provide moderate evidence of the variant having a damaging effect on the gene or gene product (PMID: 30304514). The same nucleotide change resulting in the same amino acid change has been previously reported as pathogenic/likely pathogenic with strong evidence (ClinVar ID: VCV000942724 /PMID: 30304514). Therefore, this variant is classified as Likely pathogenic according to the recommendation of ACMG/AMP guideline.

Labcorp Genetics (formerly Invitae), Labcorp
Classification: Uncertain significance. Last evaluated: 2023-08-06. Review status: criteria provided, single submitter. Criteria: Invitae Variant Classification Sherloc (09022015). Collection method: clinical testing. Allele origin: germline.
Comment: This sequence change replaces proline, which is neutral and non-polar, with leucine, which is neutral and non-polar, at codon 761 of the LONP1 protein (p.Pro761Leu). This variant is present in population databases (rs373182816, gnomAD 0.008%). This missense change has been observed in individual(s) with CODAS syndrome (PMID: 30304514). It has also been observed to segregate with disease in related individuals. ClinVar contains an entry for this variant (Variation ID: 942724). Advanced modeling of protein sequence and biophysical properties (such as structural, functional, and spatial information, amino acid conservation, physicochemical variation, residue mobility, and thermodynamic stability) performed at Invitae indicates that this missense variant is not expected to disrupt LONP1 protein function. Experimental studies have shown that this missense change affects LONP1 function (PMID: 30304514, 31923470). In summary, the available evidence is currently insufficient to determine the role of this variant in disease. Therefore, it has been classified as a Variant of Uncertain Significance.

Women's Health and Genetics/Laboratory Corporation of America, LabCorp
Classification: Likely pathogenic for CODAS syndrome. Last evaluated: 2023-01-29. Review status: criteria provided, single submitter. Criteria: LabCorp Variant Classification Summary - May 2015. Collection method: clinical testing. Allele origin: germline.
Comment: Variant summary: LONP1 c.2282C>T (p.Pro761Leu) results in a non-conservative amino acid change located in the Peptidase S16, Lon proteolytic domain (IPR008269) of the encoded protein sequence. Four of five in-silico tools predict a damaging effect of the variant on protein function. The variant allele was found at a frequency of 8e-06 in 250576 control chromosomes (gnomAD). c.2282C>T has been reported in the literature in two homozygous siblings affected with CODAS syndrome-like disease (severe intellectual disability, hypotonia and progressive cerebellar atrophy, craniofacial and skeletal abnormality, Nimmo_2019). These data indicate that the variant is likely to be associated with disease. When primary fibroblasts from these homozygous siblings and their unaffected mother were analyzed, fibroblasts from affected individuals showed impaired glycolysis and pyruvate conversion due to altered PDH function which could be rescued through wild-type LONP1 overexpression (Nimmo_2019). One ClinVar submitter has assessed the variant since 2014: the variant was classified as uncertain significance. Based on the evidence outlined above, the variant was classified as likely pathogenic.

AURAGEN, Plan France Médecine Génomique
Classification: Pathogenic for Chondrodysplasia. Last evaluated: 2021-09-29. Review status: criteria provided, single submitter. Criteria: PFMG2025 (Lancet Reg Health Eur. 2025). Collection method: clinical testing. Allele origin: germline. Affected: yes.

Breakthrough Genomics
Classification: Likely pathogenic for CODAS syndrome. Last evaluated: 2020-03-02. Review status: criteria provided, single submitter. Criteria: ACMG Guidelines, 2015. Collection method: clinical testing. Allele origin: germline. Affected: yes.
Comment: This variant has been previously reported in two siblings born to healthy consanguineous parents of Afghani origin presented with stepwise regression during infancy, profound hypotonia and muscle weakness, severe intellectual disability and progressive cerebellar atrophy. Both children lacked the key clinical features of CODAS syndrome or classical mitochondrial disease associated with LONP1 gene but instead showed stepwise regression during infancy followed by progressive and profound neurologic impairment. In vitro studies suggested that the recombinant LonP1-P761L mutant protein failed to degrade phosphoE1α, in contrast to wild-type LonP1, which rapidly degrades this substrate. These data suggested that the E1α subunit of pyruvate dehydrogenase (PDH) as a new LonP1 substrate and demonstrate that defective degradation of phosphoE1α by LonP1-P761L dysregulates PDH, a novel mechanism for the pathogenesis of PDH deficiency leading to severe neurologic impairment and neurodegeneration [PMID: 30304514].

Juno Genomics, Hangzhou Juno Genomics, Inc
Classification: Likely pathogenic for CODAS syndrome. Review status: criteria provided, single submitter. Criteria: ACMG Guidelines, 2015. Collection method: clinical testing. Allele origin: germline.
Comment: Absent from controls (or at extremely low frequency if recessive) in Genome Aggregation Database.;Co-segregation with disease in multiple affected family members.;For recessive disorders, detected in trans with a pathogenic variant.;Patient's phenotype or family history is highly specific for a disease with a single genetic etiology.;Well-established in vitro or in vivo functional studies supportive of a damaging effect on the gene or gene product.

PreventionGenetics, part of Exact Sciences
Classification: Uncertain significance for LONP1-related condition. Last evaluated: 2024-07-29. Review status: no assertion criteria provided. Collection method: clinical testing. Allele origin: germline. Not counted in ClinVar's aggregate classification.
Comment: The LONP1 c.2282C>T variant is predicted to result in the amino acid substitution p.Pro761Leu. This variant has been reported in the homozygous state in two siblings with pyruvate dehydrogenase deficiency and profound neurodegeneration with progressive cerebellar atrophy. Functional studies suggested that this variant fails to degrade phosphorylated E1α compared to wild type LONP1 (Nimmo et al 2019. PubMed ID: 30304514). This variant is reported in 0.0080% of alleles in individuals of African descent in gnomAD. Although we suspect that this variant may be pathogenic, at this time, the clinical significance of this variant is uncertain due to the absence of conclusive functional and genetic evidence.

Literature cited by the submitters: PubMed 30304514 (cited by 3 submitters); PubMed 31923470 (cited by Labcorp Genetics (formerly Invitae), Labcorp).